The following is an entry in ClinVar:

NM_004364.5(CEBPA):c.361C>A (p.Pro121Thr)

Gene: CEBPA (CCAAT enhancer binding protein alpha; minus strand). Cytogenetic location: 19q13.11.
Variant type: single nucleotide variant.
Coding change: c.361C>A on transcript NM_004364.5 (MANE Select); coding-DNA position 361, C replaced by A.
Protein change: p.Pro121Thr; replaces proline 121 with threonine.
Molecular consequence: missense variant.
Genome position (GRCh38, 1-based): chr19:33,302,054, G>T on the plus strand (C>A on the coding strand, the complement: CEBPA is on the minus strand). VCF-style: chr19-33302054-G-T. GRCh37 (hg19) VCF-style: chr19-33792960-G-T.
Other names: c.4C>A, p.Pro2Thr (NM_001285829.2); c.466C>A, p.Pro156Thr (NM_001287424.2); c.319C>A, p.Pro107Thr (NM_001287435.2); short protein forms P107T, P121T, P156T, P2T.
Identifiers: ClinVar variation 2912078 (VCV002912078.4), dbSNP rs1967187823, ClinGen allele CA405275112.

ClinVar aggregate classification (germline): Conflicting classifications of pathogenicity. Review status: criteria provided, conflicting classifications (1 of 4 stars). 2 submissions from 2 submitters: Uncertain significance (1); Likely benign (1). Last evaluated 2025-06-09.

Conditions:
Acute myeloid leukemia (AML). Also called: Acute myeloid leukemia, adult; AML adult; Acute non-lymphocytic leukemia; Acute granulocytic leukemia; Leukemia, acute myeloid, somatic; Leukemia, acute myelogenous, somatic. Identifiers: Orphanet 519, MedGen C0023467, MeSH D015470, MONDO:0018874, OMIM 601626, HP:0004808. Disease mechanism: Constitutively activated FLT3.
Inborn genetic diseases. Identifiers: MedGen C0950123, MeSH D030342.

Submissions (2):

Ambry Genetics
Classification: Likely benign for Inborn genetic diseases. Last evaluated: 2025-06-09. Review status: criteria provided, single submitter. Criteria: Ambry Variant Classification Scheme 2023. Collection method: clinical testing. Allele origin: germline.

Labcorp Genetics (formerly Invitae), Labcorp
Classification: Uncertain significance for Acute myeloid leukemia. Last evaluated: 2023-09-13. Review status: criteria provided, single submitter. Criteria: Invitae Variant Classification Sherloc (09022015). Collection method: clinical testing. Allele origin: germline.
Comment: In summary, the available evidence is currently insufficient to determine the role of this variant in disease. Therefore, it has been classified as a Variant of Uncertain Significance. Advanced modeling of protein sequence and biophysical properties (such as structural, functional, and spatial information, amino acid conservation, physicochemical variation, residue mobility, and thermodynamic stability) performed at Invitae indicates that this missense variant is not expected to disrupt CEBPA protein function. This variant has not been reported in the literature in individuals affected with CEBPA-related conditions. The frequency data for this variant in the population databases is considered unreliable, as metrics indicate insufficient coverage at this position in the gnomAD database. This sequence change replaces proline, which is neutral and non-polar, with threonine, which is neutral and polar, at codon 121 of the CEBPA protein (p.Pro121Thr).